The following is an entry in ClinVar:

ClinVar aggregate classification (germline): Pathogenic/Likely pathogenic. Review status: criteria provided, multiple submitters, no conflicts (2 of 4 stars). 2 submissions from 2 submitters: Pathogenic (1); Likely pathogenic (1). Last evaluated 2022-03-01.

Conditions:
Hereditary cancer-predisposing syndrome. Also called: Tumor predisposition; Hereditary Cancer Syndrome; Neoplastic Syndromes, Hereditary; Hereditary neoplastic syndrome. Identifiers: Orphanet 140162, MedGen C0027672, MeSH D009386, MONDO:0015356.

Submissions (2):

Ambry Genetics
Classification: Pathogenic for Hereditary cancer-predisposing syndrome. Last evaluated: 2022-03-01. Review status: criteria provided, single submitter. Criteria: Ambry Variant Classification Scheme 2023. Collection method: clinical testing. Allele origin: germline.
Comment: The c.3791delA pathogenic mutation, located in coding exon 9 of the BRCA1 gene, results from a deletion of one nucleotide at nucleotide position 3791, causing a translational frameshift with a predicted alternate stop codon (p.K1264Rfs*4). This alteration is expected to result in loss of function by premature protein truncation or nonsense-mediated mRNA decay. As such, this alteration is interpreted as a disease-causing mutation.

Quest Diagnostics Nichols Institute San Juan Capistrano
Classification: Likely pathogenic. Last evaluated: 2017-10-06. Review status: criteria provided, single submitter. Criteria: Quest Diagnostics criteria. Collection method: clinical testing. Allele origin: germline.

NM_007294.4(BRCA1):c.3791del (p.Lys1264fs)

Genes: BRCA1 (BRCA1 DNA repair associated; minus strand), LOC126862571 (BRD4-independent group 4 enhancer GRCh37_chr17:41243136-41244335; plus strand). Cytogenetic location: 17q21.31.
Variant type: Deletion.
Coding change: c.3791del on transcript NM_007294.4 (MANE Select); coding-DNA position 3791, one base deleted (A; older notation c.3791delA).
Protein change: p.Lys1264fs; shifts the reading frame from lysine 1264.
Molecular consequence: frameshift variant. On other transcripts: intron variant (135).
Genome position (GRCh38, 1-based): chr17:43,091,740, T deleted on the plus strand (A on the coding strand, the reverse complement: BRCA1 is on the minus strand); the first of 2 consecutive T bases (chr17:43,091,740-43,091,741); deleting either gives the same sequence. VCF-style (leftmost placement, unchanged base first): chr17-43091739-CT-C. GRCh37 (hg19) VCF-style: chr17-41243756-CT-C.
Other names: c.3791delA (NM_007294.3); c.3647del, p.Lys1216fs (NM_001407847.1, NM_001407848.1, NM_001407849.1 and 20 more transcripts); c.3650del, p.Lys1217fs (NM_001407850.1, NM_001407692.1, NM_001407694.1 and 29 more transcripts); c.3578del, p.Lys1193fs (NM_001407571.1, NM_001407853.1, NM_001407894.1 and 9 more transcripts); c.3791del, p.Lys1264fs (NM_001407581.1, NM_001407582.1, NM_001407583.1 and 30 more transcripts); c.3788del, p.Lys1263fs (NM_001407587.1, NM_001407590.1, NM_001407591.1 and 22 more transcripts); c.3782del, p.Lys1261fs (NM_001407646.1, NM_001407647.1); c.3668del, p.Lys1223fs (NM_001407648.1, NM_001407664.1, NM_001407665.1 and 19 more transcripts); and 43 more; short protein forms K1217fs, K1264fs, K1096fs, K1152fs, K1194fs, K1196fs, K1136fs, K1137fs.
Identifiers: ClinVar variation 619793 (VCV000619793.7), dbSNP rs1567790067, ClinGen allele CA913190410.